The following is an entry in ClinVar:

NM_001145715.3(KPNA7):c.745C>T (p.Leu249Phe)

Gene: KPNA7 (karyopherin subunit alpha 7; minus strand). Cytogenetic location: 7q22.1.
Variant type: single nucleotide variant.
Coding change: c.745C>T on transcript NM_001145715.3 (MANE Select); coding-DNA position 745, C replaced by T.
Protein change: p.Leu249Phe; replaces leucine 249 with phenylalanine.
Molecular consequence: missense variant.
Genome position (GRCh38, 1-based): chr7:99,188,455, G>A on the plus strand (C>T on the coding strand, the complement: KPNA7 is on the minus strand). VCF-style: chr7-99188455-G-A. GRCh37 (hg19) VCF-style: chr7-98786078-G-A.
Other names: short protein forms L249F.
Identifiers: ClinVar variation 1484967 (VCV001484967.3), dbSNP rs1375991008, ClinGen allele CA368419887.
Genomic context (GRCh38, chr7:99,188,455, plus strand): 5'-TGAGGTAGGACAGTGCCCAGCAGGCATCCGAGAGAACCTCACTGTCCTGGTGCTGCAGGA[G>A]GTGAAGGAGGGCCGGCAGTATCTGCTTCACCGCAGTGTCGCAAGGGTATGGGTTCTTGTT-3'
Protein context (NP_001139187.1, residues 239-259): VKQILPALLH[Leu249Phe]LQHQDSEVLS

ClinVar aggregate classification (germline): Uncertain significance (1 of 4 stars; one submission).

Allele frequency attached by ClinVar (database versions not stated): gnomAD exomes below 0.00001; TOPMed 0.00001.
gnomAD v4.1: 5 of 1,551,730 alleles (0.00032%); highest among the groups gnomAD compares: Non-Finnish European, 0.00044%; no homozygotes.

Submission:

Labcorp Genetics (formerly Invitae), Labcorp
Classification: Uncertain significance. Last evaluated: 2021-09-29. Review status: criteria provided, single submitter. Criteria: Invitae Variant Classification Sherloc (09022015). Collection method: clinical testing. Allele origin: germline.
Comment: This sequence change replaces leucine with phenylalanine at codon 249 of the KPNA7 protein (p.Leu249Phe). The leucine residue is highly conserved and there is a small physicochemical difference between leucine and phenylalanine. This variant is not present in population databases (ExAC no frequency). This variant has not been reported in the literature in individuals affected with KPNA7-related conditions. Algorithms developed to predict the effect of missense changes on protein structure and function are either unavailable or do not agree on the potential impact of this missense change (SIFT: "Deleterious"; PolyPhen-2: "Possibly Damaging"; Align-GVGD: "Class C0"). In summary, the available evidence is currently insufficient to determine the role of this variant in disease. Therefore, it has been classified as a Variant of Uncertain Significance.